The following is an entry in ClinVar:

ClinVar aggregate classification (germline): Uncertain significance (1 of 4 stars; one submission).

Submission:

GeneDx
Classification: Uncertain significance. Last evaluated: 2022-12-16. Review status: criteria provided, single submitter. Criteria: GeneDx Variant Classification Process June 2021. Collection method: clinical testing. Allele origin: germline. Affected: yes.
Comment: Not observed at significant frequency in large population cohorts (gnomAD); In silico analysis supports that this missense variant does not alter protein structure/function; Has not been previously published as pathogenic or benign to our knowledge

NM_181486.4(TBX5):c.194T>C (p.Leu65Pro)

Gene: TBX5 (T-box transcription factor 5; minus strand). Cytogenetic location: 12q24.21.
Variant type: single nucleotide variant.
Coding change: c.194T>C on transcript NM_181486.4 (MANE Select); coding-DNA position 194, T replaced by C.
Protein change: p.Leu65Pro; replaces leucine 65 with proline.
Molecular consequence: missense variant.
Genome position (GRCh38, 1-based): chr12:114,401,874, A>G on the plus strand (T>C on the coding strand, the complement: TBX5 is on the minus strand). VCF-style: chr12-114401874-A-G. GRCh37 (hg19) VCF-style: chr12-114839679-A-G.
Other names: c.194T>C, p.Leu65Pro (NM_000192.3); c.44T>C, p.Leu15Pro (NM_080717.4); short protein forms L15P, L65P.
Identifiers: ClinVar variation 2505604 (VCV002505604.1), dbSNP rs2540475317, ClinGen allele CA386863148.